The following is an entry in ClinVar:

NM_005154.5(USP8):c.3180C>T (p.Tyr1060=)

Genes: USP50 (ubiquitin specific peptidase 50; minus strand), USP8 (ubiquitin specific peptidase 8; plus strand). Cytogenetic location: 15q21.2.
Variant type: single nucleotide variant.
Coding change: c.3180C>T on transcript NM_005154.5 (MANE Select); coding-DNA position 3180, C replaced by T.
Protein change: p.Tyr1060=; no amino-acid change (tyrosine 1060 retained).
Molecular consequence: synonymous variant.
Genome position (GRCh38, 1-based): chr15:50,498,911, C>T. VCF-style: chr15-50498911-C-T. GRCh37 (hg19) VCF-style: chr15-50791108-C-T.
Other names: c.3180C>T, p.Tyr1060= (NM_001128610.3); c.2862C>T, p.Tyr954= (NM_001283049.2).
Identifiers: ClinVar variation 1637146 (VCV001637146.22), dbSNP rs200789993, ClinGen allele CA7556193.
Genomic context (GRCh38, chr15:50,498,911, plus strand): 5'-TAAATAACAATTTTAACTGAATTGATTTTTTTTTCTATCTTGTTTGGCACAGAATCACTA[C>T]GGTGGGCTGGATGGAGGCCACTACACAGCCTATTGTAAAAATGCAGCAAGACAACGGTGG-3'
Protein context (NP_005145.3, residues 1050-1070): KYNLFSVSNH[Tyr1060=]GGLDGGHYTA

ClinVar aggregate classification (germline): Likely benign. Review status: criteria provided, multiple submitters, no conflicts (2 of 4 stars). 2 submissions from 2 submitters: Likely benign (2). Last evaluated 2024-12-22.

Conditions:
Hereditary spastic paraplegia. Also called: Familial spastic paraparesis. Identifiers: Orphanet 685, MedGen C0037773, MONDO:0019064. Disease mechanism: loss of function.

Allele frequency attached by ClinVar (database versions not stated): gnomAD exomes 0.00004 and 0.00007; ExAC 0.00006; gnomAD 0.00006 and 0.00007; TOPMed 0.00009; 1000 Genomes Project 0.00020; 1000 Genomes Project 30x 0.00031.
gnomAD v4.1: 67 of 1,605,892 alleles (0.0042%); highest among the groups gnomAD compares: Middle Eastern, 0.017%; no homozygotes.

Submissions (2):

Labcorp Genetics (formerly Invitae), Labcorp
Classification: Likely benign for Hereditary spastic paraplegia. Last evaluated: 2024-12-22. Review status: criteria provided, single submitter. Criteria: Invitae Variant Classification Sherloc (09022015). Collection method: clinical testing. Allele origin: germline.

CeGaT Center for Human Genetics Tuebingen
Classification: Likely benign. Last evaluated: 2024-10-01. Review status: criteria provided, single submitter. Criteria: CeGaT Center For Human Genetics Tuebingen Variant Classification Criteria Version 2. Collection method: clinical testing. Allele origin: germline. Affected: yes. Observed: 1 variant allele.
Comment: USP8: BP4, BP7